The following is an entry in ClinVar:

ClinVar aggregate classification (germline): Uncertain significance. Review status: criteria provided, multiple submitters, no conflicts (2 of 4 stars). 2 submissions from 2 submitters: Uncertain significance (2). Last evaluated 2026-04-13.

Conditions:
Congenital adrenal hyperplasia due to cytochrome P450 oxidoreductase deficiency. Also called: DISORDERED STEROIDOGENESIS DUE TO POR DEFICIENCY. Identifiers: Orphanet 95699, MedGen C1860042, MONDO:0013310, OMIM 613571.

Allele frequency attached by ClinVar (database versions not stated): TOPMed 0.00002.
gnomAD v4.1: 1 of 1,612,384 alleles (0.000062%); no homozygotes.

Submissions (2):

GeneDx
Classification: Uncertain significance. Last evaluated: 2026-04-13. Review status: criteria provided, single submitter. Criteria: GeneDx Variant Classification Process June 2021. Collection method: clinical testing. Allele origin: germline.
Comment: Not observed at significant frequency in large population cohorts (gnomAD); In silico analysis supports that this missense variant has a deleterious effect on protein structure/function; Has not been previously published as pathogenic or benign to our knowledge

Labcorp Genetics (formerly Invitae), Labcorp
Classification: Uncertain significance for Congenital adrenal hyperplasia due to cytochrome P450 oxidoreductase deficiency. Last evaluated: 2024-10-08. Review status: criteria provided, single submitter. Criteria: Invitae Variant Classification Sherloc (09022015). Collection method: clinical testing. Allele origin: germline.
Comment: This sequence change replaces histidine, which is basic and polar, with tyrosine, which is neutral and polar, at codon 322 of the POR protein (p.His322Tyr). This variant is not present in population databases (gnomAD no frequency). This variant has not been reported in the literature in individuals affected with POR-related conditions. ClinVar contains an entry for this variant (Variation ID: 2174499). Invitae Evidence Modeling of protein sequence and biophysical properties (such as structural, functional, and spatial information, amino acid conservation, physicochemical variation, residue mobility, and thermodynamic stability) indicates that this missense variant is not expected to disrupt POR protein function with a negative predictive value of 80%. In summary, the available evidence is currently insufficient to determine the role of this variant in disease. Therefore, it has been classified as a Variant of Uncertain Significance.

NM_001395413.1(POR):c.955C>T (p.His319Tyr)

Genes: POR (cytochrome p450 oxidoreductase; plus strand), LOC126860075 (CDK7 strongly-dependent group 2 enhancer GRCh37_chr7:75612087-75613286; plus strand). Cytogenetic location: 7q11.23.
Variant type: single nucleotide variant.
Coding change: c.955C>T on transcript NM_001395413.1 (MANE Select); coding-DNA position 955, C replaced by T.
Protein change: p.His319Tyr; replaces histidine 319 with tyrosine.
Molecular consequence: missense variant.
Genome position (GRCh38, 1-based): chr7:75,983,754, C>T. VCF-style: chr7-75983754-C-T. GRCh37 (hg19) VCF-style: chr7-75613072-C-T.
Other names: c.964C>T, p.His322Tyr (NM_000941.3); c.955C>T, p.His319Tyr (NM_001367562.3, NM_001382657.2, NM_001382658.3 and 2 more transcripts); c.1009C>T, p.His337Tyr (NM_001382655.3); short protein forms H322Y, H337Y, H319Y.
Identifiers: ClinVar variation 2174499 (VCV002174499.4), dbSNP rs1163437835, ClinGen allele CA367748946.